The following is an entry in ClinVar:

ClinVar aggregate classification (germline): Likely benign (1 of 4 stars; one submission).

Allele frequency attached by ClinVar (database versions not stated): gnomAD 0.00003; TOPMed 0.00003; gnomAD exomes 0.00005; ExAC 0.00010.

Submission:

CeGaT Center for Human Genetics Tuebingen
Classification: Likely benign. Last evaluated: 2022-06-01. Review status: criteria provided, single submitter. Criteria: CeGaT Center For Human Genetics Tuebingen Variant Classification Criteria Version 2. Collection method: clinical testing. Allele origin: germline. Affected: yes. Observed: 1 variant allele.
Comment: BAHCC1: BP4, BP7

NM_001377448.1(BAHCC1):c.1596G>A (p.Pro532=)

Gene: BAHCC1 (BAH domain and coiled-coil containing 1; plus strand). Cytogenetic location: 17q25.3.
Variant type: single nucleotide variant.
Coding change: c.1596G>A on transcript NM_001377448.1 (MANE Select); coding-DNA position 1596, G replaced by A.
Protein change: p.Pro532=; no amino-acid change (proline 532 retained).
Molecular consequence: synonymous variant.
Genome position (GRCh38, 1-based): chr17:81,442,945, G>A. VCF-style: chr17-81442945-G-A. GRCh37 (hg19) VCF-style: chr17-79409971-G-A.
Other names: c.1596G>A, p.Pro532= (NM_001291324.3).
Identifiers: ClinVar variation 2648449 (VCV002648449.24), dbSNP rs782701798, ClinGen allele CA8833590.